The following is an entry in ClinVar:

ClinVar aggregate classification (germline): Likely pathogenic (1 of 4 stars; one submission).

Conditions:
Xeroderma pigmentosum group A (XPA). Also called: XPA-Related Xeroderma Pigmentosum; Xeroderma pigmentosum, complementation group A; XP, group A. Identifiers: Orphanet 910, MedGen C0268135, MONDO:0010210, OMIM 278700.

Submission:

Foundation for Research in Genetics and Endocrinology, FRIGE's Institute of Human Genetics
Classification: Likely pathogenic for Xeroderma pigmentosum group A. Last evaluated: 2014-06-27. Review status: criteria provided, single submitter. Criteria: Submitter's publication. Collection method: clinical testing. Allele origin: germline. Inheritance: Autosomal recessive inheritance. Affected: yes and no. Observed: 4 variant alleles, 3 heterozygotes, 1 homozygote.
Comment: Variant c.2034-1G>A (ENST00000285021.7) found to be splice site variant, likely to disturb normal splicing, diminishes repair activity, and impairs DNA binding. Likely to be pathogenic by testing with online software including Mutation Taster.

NM_004628.5(XPC):c.2034-1G>A

Gene: XPC (XPC complex subunit, DNA damage recognition and repair factor; minus strand). Cytogenetic location: 3p25.1.
Variant type: single nucleotide variant.
Coding change: c.2034-1G>A on transcript NM_004628.5 (MANE Select); the canonical splice acceptor site of the intron before coding-DNA position 2034, G replaced by A.
Molecular consequence: splice acceptor variant.
Genome position (GRCh38, 1-based): chr3:14,152,417, C>T on the plus strand (G>A on the coding strand, the complement: XPC is on the minus strand). VCF-style: chr3-14152417-C-T. GRCh37 (hg19) VCF-style: chr3-14193917-C-T.
Other names: c.2016-1G>A (NM_001354729.2); c.1455-1G>A (NM_001354726.2); c.1788-1G>A (NM_001354730.2); c.2028-1G>A (NM_001354727.2).
Identifiers: ClinVar variation 221284 (VCV000221284.2), dbSNP rs869025275, ClinGen allele CA353867.